The following is an entry in ClinVar:

ClinVar aggregate classification (germline): Conflicting classifications of pathogenicity. Review status: criteria provided, conflicting classifications (1 of 4 stars). 3 submissions from 3 submitters: Uncertain significance (2); Likely benign (1). Last evaluated 2024-07-08.

Conditions:
Wiskott-Aldrich syndrome 2 (WAS2). Also called: WIPF1 DEFICIENCY. Identifiers: Orphanet 906, MedGen C3281001, MONDO:0013779, OMIM 614493.

Allele frequency attached by ClinVar (database versions not stated): gnomAD exomes 0.00039 and 0.00063; ExAC 0.00046; gnomAD 0.00047; TOPMed 0.00048; ESP Exome Variant Server 0.00085.
gnomAD v4.1: 983 of 1,614,098 alleles (0.061%); highest among the groups gnomAD compares: Non-Finnish European, 0.077%; 1 homozygote.

Submissions (3):

Mayo Clinic Laboratories, Mayo Clinic
Classification: Likely benign. Last evaluated: 2024-07-08. Review status: criteria provided, single submitter. Criteria: ACMG Guidelines, 2015. Collection method: clinical testing. Allele origin: germline. Observed: 4 variant alleles.
Comment: BS1, BP4

Labcorp Genetics (formerly Invitae), Labcorp
Classification: Uncertain significance for Wiskott-Aldrich syndrome 2. Last evaluated: 2022-09-19. Review status: criteria provided, single submitter. Criteria: Invitae Variant Classification Sherloc (09022015). Collection method: clinical testing. Allele origin: germline.
Comment: This sequence change replaces arginine, which is basic and polar, with lysine, which is basic and polar, at codon 158 of the WIPF1 protein (p.Arg158Lys). This variant is present in population databases (rs148175242, gnomAD 0.07%). This variant has not been reported in the literature in individuals affected with WIPF1-related conditions. ClinVar contains an entry for this variant (Variation ID: 661880). Algorithms developed to predict the effect of missense changes on protein structure and function are either unavailable or do not agree on the potential impact of this missense change (SIFT: "Not Available"; PolyPhen-2: "Benign"; Align-GVGD: "Not Available"). In summary, the available evidence is currently insufficient to determine the role of this variant in disease. Therefore, it has been classified as a Variant of Uncertain Significance.

CeGaT Center for Human Genetics Tuebingen
Classification: Uncertain significance. Last evaluated: 2019-08-01. Review status: criteria provided, single submitter. Criteria: CeGaT Center For Human Genetics Tuebingen Variant Classification Criteria Version 2. Collection method: clinical testing. Allele origin: germline. Affected: yes. Observed: 2 variant alleles.

NM_001375834.1(WIPF1):c.473G>A (p.Arg158Lys)

Gene: WIPF1 (WAS/WASL interacting protein family member 1; minus strand). Cytogenetic location: 2q31.1.
Variant type: single nucleotide variant.
Coding change: c.473G>A on transcript NM_001375834.1 (MANE Select); coding-DNA position 473, G replaced by A.
Protein change: p.Arg158Lys; replaces arginine 158 with lysine.
Molecular consequence: missense variant. On other transcripts: intron variant (1).
Genome position (GRCh38, 1-based): chr2:174,572,332, C>T on the plus strand (G>A on the coding strand, the complement: WIPF1 is on the minus strand). VCF-style: chr2-174572332-C-T. GRCh37 (hg19) VCF-style: chr2-175437060-C-T.
Other names: p.Arg158Lys; c.473G>A, p.Arg158Lys (NM_001077269.1, NM_001375832.1, NM_001375833.1 and 5 more transcripts); c.182-87G>A (NM_001375839.1); short protein forms R158K.
Identifiers: ClinVar variation 661880 (VCV000661880.47), dbSNP rs148175242, ClinGen allele CA1974120.